The following is an entry in ClinVar:

NC_000016.9:g.89863188_89878500del

Variant type: Deletion.
Identifiers: ClinVar variation 974087 (VCV000974087.1).

ClinVar aggregate classification (germline): Pathogenic (0 of 4 stars; one submission).

Conditions:
Fanconi anemia complementation group A (FANCA). Also called: Fanconi anemia, group A; FANCA-Related Fanconi Anemia. Identifiers: Orphanet 84, MedGen C3469521, MONDO:0009215, OMIM 227650.

Submission:

Leiden Open Variation Database
Classification: Pathogenic for Fanconi anemia complementation group A. Last evaluated: 2020-02-28. Review status: no assertion criteria provided. Collection method: curation. Allele origin: germline. Affected: yes.
Comment: Curator: Arleen D. Auerbach. Submitter to LOVD: Arleen D. Auerbach.

Literature cited by the submitters: PubMed 25168418.